The following is an entry in ClinVar:

ClinVar aggregate classification (germline): Likely benign (1 of 4 stars; one submission).

gnomAD v4.1: 72 of 1,614,162 alleles (0.0045%); highest among the groups gnomAD compares: East Asian, 0.013%; no homozygotes.

Submission:

CeGaT Center for Human Genetics Tuebingen
Classification: Likely benign. Last evaluated: 2025-11-01. Review status: criteria provided, single submitter. Criteria: CeGaT Center For Human Genetics Tuebingen Variant Classification Criteria Version 2. Collection method: clinical testing. Allele origin: germline. Affected: yes. Observed: 1 variant allele.
Comment: TRPM3: BP4, BP7

NM_001366145.2(TRPM3):c.5079G>A (p.Pro1693=)

Genes: KLF9-DT (KLF9 divergent transcript; plus strand), TRPM3 (transient receptor potential cation channel subfamily M member 3; minus strand). Cytogenetic location: 9q21.12.
Variant type: single nucleotide variant.
Coding change: c.5079G>A on transcript NM_001366145.2 (MANE Select); coding-DNA position 5079, G replaced by A.
Protein change: p.Pro1693=; no amino-acid change (proline 1693 retained).
Molecular consequence: synonymous variant. On other transcripts: intron variant (8).
Genome position (GRCh38, 1-based): chr9:70,536,034, C>T on the plus strand (G>A on the coding strand, the complement: TRPM3 is on the minus strand). VCF-style: chr9-70536034-C-T. GRCh37 (hg19) VCF-style: chr9-73150950-C-T.
Other names: c.5043G>A, p.Pro1681= (NM_001007471.4); c.5049G>A, p.Pro1683= (NM_001366141.2, NM_001366149.2); c.5154G>A, p.Pro1718= (NM_001366147.2); c.4584G>A, p.Pro1528= (NM_020952.6); c.4620G>A, p.Pro1540= (NM_024971.7); c.4554G>A, p.Pro1518= (NM_206944.5); c.4590G>A, p.Pro1530= (NM_206945.5); c.4659G>A, p.Pro1553= (NM_206946.5); and 9 more.
Identifiers: ClinVar variation 4534276 (VCV004534276.6).